The following is an entry in ClinVar:

ClinVar aggregate classification (germline): Uncertain significance (1 of 4 stars; one submission).

Conditions:
Hereditary cancer-predisposing syndrome. Also called: Tumor predisposition; Hereditary neoplastic syndrome; Hereditary Cancer Syndrome; Neoplastic Syndromes, Hereditary. Identifiers: Orphanet 140162, MedGen C0027672, MeSH D009386, MONDO:0015356.

Submission:

Ambry Genetics
Classification: Uncertain significance for Hereditary cancer-predisposing syndrome. Last evaluated: 2025-05-31. Review status: criteria provided, single submitter. Criteria: Ambry Variant Classification Scheme 2023. Collection method: clinical testing. Allele origin: germline.
Comment: The p.T105R variant (also known as c.314C>G), located in coding exon 4 of the POT1 gene, results from a C to G substitution at nucleotide position 314. The threonine at codon 105 is replaced by arginine, an amino acid with similar properties. This amino acid position is conserved. In addition, this alteration is predicted to be deleterious by in silico analysis. Based on the available evidence, the clinical significance of this variant remains unclear.

NM_015450.3(POT1):c.314C>G (p.Thr105Arg)

Gene: POT1 (protection of telomeres 1; minus strand). Cytogenetic location: 7q31.33.
Variant type: single nucleotide variant.
Coding change: c.314C>G on transcript NM_015450.3 (MANE Select); coding-DNA position 314, C replaced by G.
Protein change: p.Thr105Arg; replaces threonine 105 with arginine.
Molecular consequence: missense variant. On other transcripts: 5 prime UTR variant (1), non-coding transcript variant (3).
Genome position (GRCh38, 1-based): chr7:124,863,582, G>C on the plus strand (C>G on the coding strand, the complement: POT1 is on the minus strand). VCF-style: chr7-124863582-G-C. GRCh37 (hg19) VCF-style: chr7-124503636-G-C.
Other names: c.-80C>G (NM_001042594.2); short protein forms T105R.
Identifiers: ClinVar variation 3936305 (VCV003936305.1).
Genomic context (GRCh38, chr7:124,863,582, plus strand): 5'-AAGTTAAAATACTTGCTTGAAGTGCGAGGTATGATAGGGGCTCCCAAAGTTCCCTCAAAC[G>C]TCAAAGATGCAAAGCCAGAGCTGGTGATACCCTGAGTCTCCTTTTTATATACTTGAATCT-3'
Protein context (NP_056265.2, residues 95-115): GITSSGFASL[Thr105Arg]FEGTLGAPII